The following is an entry in ClinVar:

ClinVar aggregate classification (germline): Likely benign. Review status: criteria provided, multiple submitters, no conflicts (2 of 4 stars). 2 submissions from 2 submitters: Likely benign (2). Last evaluated 2025-06-11.

Conditions:
OFD1-related disorder. Also called: OFD1-related condition.
Joubert syndrome. Also called: Familial aplasia of the vermis; JOUBERT-BOLTSHAUSER SYNDROME. Identifiers: Orphanet 475, MedGen C5979921, MONDO:0018772.
Orofaciodigital syndrome I (OFD1). Also called: Papillon-Leage and Psaume Syndrome; Oral-Facial-Digital Syndrome Type I; OFDS I. Identifiers: Orphanet 2750, MedGen C1510460, MONDO:0010702, OMIM 311200.

Allele frequency attached by ClinVar (database versions not stated): ExAC 0.00001; TOPMed 0.00001.
gnomAD v4.1: 7 of 1,174,676 alleles (0.0006%); highest among the groups gnomAD compares: South Asian, 0.011%; no homozygotes.

Submissions (2):

PreventionGenetics, part of Exact Sciences
Classification: Likely benign for OFD1-related condition. Last evaluated: 2025-06-11. Review status: criteria provided, single submitter. Criteria: ACMG Guidelines, 2015. Collection method: clinical testing. Allele origin: germline.
Comment: This variant is classified as likely benign based on ACMG/AMP sequence variant interpretation guidelines (Richards et al. 2015 PMID: 25741868, with internal and published modifications).

Labcorp Genetics (formerly Invitae), Labcorp
Classification: Likely benign for Orofaciodigital syndrome I; Joubert syndrome. Last evaluated: 2024-06-06. Review status: criteria provided, single submitter. Criteria: Invitae Variant Classification Sherloc (09022015). Collection method: clinical testing. Allele origin: germline.

NM_003611.3(OFD1):c.2599+8C>T

Gene: OFD1 (OFD1 centriole and centriolar satellite protein; plus strand). Cytogenetic location: Xp22.2.
Variant type: single nucleotide variant.
Coding change: c.2599+8C>T on transcript NM_003611.3 (MANE Select); 8 bases into the intron after coding-DNA position 2599, C replaced by T.
Molecular consequence: intron variant.
Genome position (GRCh38, 1-based): chrX:13,763,863, C>T. VCF-style: chrX-13763863-C-T. GRCh37 (hg19) VCF-style: chrX-13781982-C-T.
Other names: c.2179+8C>T (NM_001330210.2); c.2479+8C>T (NM_001330209.2); c.2599+8C>T (NM_003611.2).
Identifiers: ClinVar variation 2933268 (VCV002933268.4), dbSNP rs772789615, ClinGen allele CA10352041.
Genomic context (GRCh38, chrX:13,763,863, plus strand): 5'-GTCTCATGTGGACGCTGCTGCAGCTGCTGTGCCCCTCTCATATCAGCACCCAAGTAAGTT[C>T]TTTTTTTGAACTAACAGTCAGCAGGGTCGCATACTAAATACCAGTCCGTGTGCTCTGTGA-3'